The following is an entry in ClinVar:

ClinVar aggregate classification (germline): Likely benign (1 of 4 stars; one submission).

Submission:

CeGaT Center for Human Genetics Tuebingen
Classification: Likely benign. Last evaluated: 2025-05-01. Review status: criteria provided, single submitter. Criteria: CeGaT Center For Human Genetics Tuebingen Variant Classification Criteria Version 2. Collection method: clinical testing. Allele origin: germline. Affected: yes. Observed: 1 variant allele.
Comment: PLB1: PM2:Supporting, BP4, BP7

NM_153021.5(PLB1):c.792C>G (p.Leu264=)

Gene: PLB1 (phospholipase B1; plus strand). Cytogenetic location: 2p23.2.
Variant type: single nucleotide variant.
Coding change: c.792C>G on transcript NM_153021.5 (MANE Select); coding-DNA position 792, C replaced by G.
Protein change: p.Leu264=; no amino-acid change (leucine 264 retained).
Molecular consequence: synonymous variant.
Genome position (GRCh38, 1-based): chr2:28,541,724, C>G. VCF-style: chr2-28541724-C-G. GRCh37 (hg19) VCF-style: chr2-28764591-C-G.
Other names: c.825C>G, p.Leu275= (NM_001170585.2).
Identifiers: ClinVar variation 3905949 (VCV003905949.10).